The following is an entry in ClinVar:

ClinVar aggregate classification (germline): Uncertain significance (1 of 4 stars; one submission).

Submission:

Labcorp Genetics (formerly Invitae), Labcorp
Classification: Uncertain significance. Last evaluated: 2020-07-09. Review status: criteria provided, single submitter. Criteria: Invitae Variant Classification Sherloc (09022015). Collection method: clinical testing. Allele origin: germline.
Comment: This sequence change falls in intron 11 of the COL9A1 gene. It does not directly change the encoded amino acid sequence of the COL9A1 protein, but it affects a nucleotide within the consensus splice site of the intron. This variant is not present in population databases (ExAC no frequency). This variant has not been reported in the literature in individuals with COL9A1-related conditions. Nucleotide substitutions within the consensus splice site are a relatively common cause of aberrant splicing (PMID: 17576681, 9536098). Algorithms developed to predict the effect of sequence changes on RNA splicing suggest that this variant may disrupt the consensus splice site, but this prediction has not been confirmed by published transcriptional studies. In summary, the available evidence is currently insufficient to determine the role of this variant in disease. Therefore, it has been classified as a Variant of Uncertain Significance.

Literature cited by the submitters: PubMed 17576681; PubMed 9536098.

NM_001851.6(COL9A1):c.1029+3_1029+6del

Gene: COL9A1 (collagen type IX alpha 1 chain; minus strand). Cytogenetic location: 6q13.
Variant type: Microsatellite.
Coding change: c.1029+3_1029+6del on transcript NM_001851.6 (MANE Select); bases 3 to 6 of the intron after coding-DNA position 1029, 4 bases deleted (AAGT; older notation c.1029+3_1029+6delAAGT).
Molecular consequence: splice donor variant.
Genome position (GRCh38, 1-based): chr6:70,274,713-70,274,716, ACTT deleted on the plus strand (AAGT on the coding strand, the reverse complement: COL9A1 is on the minus strand); deleting any 4 consecutive bases within chr6:70,274,713-70,274,720 gives the same sequence; the c. name uses the placement nearest the transcript's 3' end. VCF-style (leftmost placement, unchanged base first): chr6-70274712-AACTT-A. GRCh37 (hg19) VCF-style: chr6-70984415-AACTT-A.
Other names: c.300+3_300+6del (NM_001377290.1, NM_078485.4, NM_001377289.1).
Identifiers: ClinVar variation 1015467 (VCV001015467.4), dbSNP rs1772637811, ClinGen allele CA1636693782.
Genomic context (GRCh38, chr6:70,274,712, plus strand): 5'-AAACACTGCAATAAAATTATACTTCAGCATTTTCGTACTAGCAATTAATGCCAGATGGCT[AACTT>A]ACTTTTTGTCCCTTTGACCCAATGGAGCCAGGGGATCCATCAGGTCCTGTTAATCCCTAA-3'